The following is an entry in ClinVar:

ClinVar aggregate classification (germline): Uncertain significance (1 of 4 stars; one submission).

Conditions:
Arrhythmogenic right ventricular dysplasia 10. Also called: Arrhythmogenic Right Ventricular Dysplasia/Cardiomyopathy10; ARRHYTHMOGENIC RIGHT VENTRICULAR DYSPLASIA, FAMILIAL, 10; Arrhythmogenic right ventricular dysplasia/cardiomyopathy, type 10. Identifiers: MedGen C1857777, MONDO:0012434, OMIM 610193.

gnomAD v4.1: 1 of 1,614,134 alleles (0.000062%); no homozygotes.

Submission:

Labcorp Genetics (formerly Invitae), Labcorp
Classification: Uncertain significance for Arrhythmogenic right ventricular dysplasia 10. Last evaluated: 2024-08-07. Review status: criteria provided, single submitter. Criteria: Invitae Variant Classification Sherloc (09022015). Collection method: clinical testing. Allele origin: germline.
Comment: This sequence change replaces alanine, which is neutral and non-polar, with serine, which is neutral and polar, at codon 837 of the DSG2 protein (p.Ala837Ser). This variant is not present in population databases (gnomAD no frequency). This missense change has been observed in individual(s) with hypertrophic cardiomyopathy (PMID: 34500006). Advanced modeling of protein sequence and biophysical properties (such as structural, functional, and spatial information, amino acid conservation, physicochemical variation, residue mobility, and thermodynamic stability) has been performed at Invitae for this missense variant, however the output from this modeling did not meet the statistical confidence thresholds required to predict the impact of this variant on DSG2 protein function. In summary, the available evidence is currently insufficient to determine the role of this variant in disease. Therefore, it has been classified as a Variant of Uncertain Significance.

Literature cited by the submitters: PubMed 34500006.

NM_001943.5(DSG2):c.2509G>T (p.Ala837Ser)

Genes: DSG2 (desmoglein 2; plus strand), DSG2-AS1 (DSG2 antisense RNA 1; minus strand). Cytogenetic location: 18q12.1.
Variant type: single nucleotide variant.
Coding change: c.2509G>T on transcript NM_001943.5 (MANE Select); coding-DNA position 2509, G replaced by T.
Protein change: p.Ala837Ser; replaces alanine 837 with serine.
Molecular consequence: missense variant. On other transcripts: non-coding transcript variant (1).
Genome position (GRCh38, 1-based): chr18:31,545,895, G>T. VCF-style: chr18-31545895-G-T. GRCh37 (hg19) VCF-style: chr18-29125858-G-T.
Other names: short protein forms A837S.
Identifiers: ClinVar variation 3714787 (VCV003714787.2).